The following is an entry in ClinVar:

NM_016239.4(MYO15A):c.484_488delinsACTT (p.Arg162fs)

Gene: MYO15A (myosin XVA; plus strand). Cytogenetic location: 17p11.2.
Variant type: Indel.
Coding change: c.484_488delinsACTT on transcript NM_016239.4 (MANE Select); coding-DNA positions 484 to 488, CGCTC replaced by ACTT.
Protein change: p.Arg162fs; shifts the reading frame from arginine 162.
Molecular consequence: frameshift variant.
Genome position (GRCh38, 1-based): chr17:18,119,284-18,119,288, CGCTC replaced by ACTT. VCF-style: chr17-18119284-CGCTC-ACTT. GRCh37 (hg19) VCF-style: chr17-18022598-CGCTC-ACTT.
Other names: p.Arg162Thrfs*2; short protein forms R162fs.
Identifiers: ClinVar variation 2633434 (VCV002633434.2), dbSNP rs2545174628, ClinGen allele CA2695201258.

ClinVar aggregate classification (germline): Likely pathogenic. Review status: criteria provided, multiple submitters, no conflicts (2 of 4 stars). 2 submissions from 2 submitters: Likely pathogenic (2). Last evaluated 2023-03-08.

Conditions:
MYO15A-related disorder. Also called: MYO15A-related condition.

Submissions (2):

PreventionGenetics, part of Exact Sciences
Classification: Likely pathogenic for MYO15A-related condition. Last evaluated: 2023-03-08. Review status: criteria provided, single submitter. Criteria: ACMG Guidelines, 2015. Collection method: clinical testing. Allele origin: germline.
Comment: The MYO15A c.484_488delinsACTT variant is predicted to result in a frameshift and premature protein termination (p.Arg162Thrfs*2). To our knowledge, this variant has not been reported in the literature or in a large population database, indicating this variant is rare. Frameshift variants in MYO15A are expected to be pathogenic. This variant is interpreted as likely pathogenic.

Mayo Clinic Laboratories, Mayo Clinic
Classification: Likely pathogenic. Last evaluated: 2022-05-31. Review status: criteria provided, single submitter. Criteria: ACMG Guidelines, 2015. Collection method: clinical testing. Allele origin: germline. Observed: 1 variant allele.
Comment: PM2, PM3_supporting, PVS1